The following is an entry in ClinVar:

ClinVar aggregate classification (germline): Uncertain significance (1 of 4 stars; one submission).

Conditions:
Hyper-IgE recurrent infection syndrome 3, autosomal recessive. Also called: HYPER-IgE SYNDROME 3, AUTOSOMAL RECESSIVE, WITH RECURRENT INFECTIONS; Autosomal recessive hyper-IgE syndrome due to ZNF341 deficiency. Identifiers: Orphanet 641368, MedGen C4748969, MONDO:0032654, OMIM 618282.

Submission:

Neuberg Centre For Genomic Medicine, NCGM
Classification: Uncertain significance for Hyper-IgE recurrent infection syndrome 3, autosomal recessive. Review status: criteria provided, single submitter. Criteria: ACMG Guidelines, 2015. Collection method: clinical testing. Allele origin: germline. Inheritance: Autosomal recessive inheritance. Affected: yes.
Comment: The missense variant c.2496G>C (p.Glu832Asp) in the ZNF341 gene has not been reported previously as a pathogenic variant nor as a benign variant, to our knowledge. This variant is novel (not in any individuals) in gnomAD Exomes and 1000 Genomes. The amino acid Glutamic Acid at position 832 is changed to a Aspartic Acid changing protein sequence and it might alter its composition and physico-chemical properties. The variant is predicted as damaging by SIFT. The amino acid change p.Glu832Asp in ZNF341 is predicted as conserved by GERP++ and PhyloP across 100 vertebrates. For these reasons, this variant has been classified as Uncertain Significance.

NM_001282933.2(ZNF341):c.2496G>C (p.Glu832Asp)

Genes: ZNF341 (zinc finger protein 341; plus strand), ZNF341-AS1 (ZNF341 antisense RNA 1; minus strand). Cytogenetic location: 20q11.22.
Variant type: single nucleotide variant.
Coding change: c.2496G>C on transcript NM_001282933.2 (MANE Select); coding-DNA position 2496, G replaced by C.
Protein change: p.Glu832Asp; replaces glutamic acid 832 with aspartic acid.
Molecular consequence: missense variant. On other transcripts: non-coding transcript variant (1).
Genome position (GRCh38, 1-based): chr20:33,791,448, G>C. VCF-style: chr20-33791448-G-C. GRCh37 (hg19) VCF-style: chr20-32379254-G-C.
Other names: c.2226G>C, p.Glu742Asp (NM_001282935.2); c.2475G>C, p.Glu825Asp (NM_032819.5); short protein forms E742D, E825D, E832D.
Identifiers: ClinVar variation 3764499 (VCV003764499.1).